The following is an entry in ClinVar:

NM_000059.4(BRCA2):c.1504A>T (p.Lys502Ter)

Gene: BRCA2 (BRCA2 DNA repair associated; plus strand). Cytogenetic location: 13q13.1.
Variant type: single nucleotide variant.
Coding change: c.1504A>T on transcript NM_000059.4 (MANE Select); coding-DNA position 1504, A replaced by T.
Protein change: p.Lys502Ter; replaces lysine 502 with a stop codon.
Molecular consequence: nonsense.
Genome position (GRCh38, 1-based): chr13:32,332,982, A>T. VCF-style: chr13-32332982-A-T. GRCh37 (hg19) VCF-style: chr13-32907119-A-T.
Other names: c.1504A>T, p.Lys502Ter (NM_001406719.1, NM_001406720.1, NM_001406721.1); short protein forms K502*.
Identifiers: ClinVar variation 1774058 (VCV001774058.2), dbSNP rs276174809, ClinGen allele CA387764498.

ClinVar aggregate classification (germline): Pathogenic (1 of 4 stars; one submission).

Conditions:
Hereditary cancer-predisposing syndrome. Also called: Hereditary Cancer Syndrome; Hereditary neoplastic syndrome; Neoplastic Syndromes, Hereditary; Tumor predisposition. Identifiers: Orphanet 140162, MedGen C0027672, MeSH D009386, MONDO:0015356.

Submission:

Ambry Genetics
Classification: Pathogenic for Hereditary cancer-predisposing syndrome. Last evaluated: 2021-01-15. Review status: criteria provided, single submitter. Criteria: Ambry Variant Classification Scheme 2023. Collection method: clinical testing. Allele origin: germline.
Comment: The p.K502* variant (also known as c.1504A>T), located in coding exon 9 of the BRCA2 gene, results from an A to T substitution at nucleotide position 1504. This changes the amino acid from a lysine to a stop codon within coding exon 9. This alteration is expected to result in loss of function by premature protein truncation or nonsense-mediated mRNA decay. As such, this alteration is interpreted as a disease-causing mutation.